The following is an entry in ClinVar:

ClinVar aggregate classification (germline): Pathogenic/Likely pathogenic. Review status: criteria provided, multiple submitters, no conflicts (2 of 4 stars). 2 submissions from 2 submitters: Pathogenic (1); Likely pathogenic (1). Last evaluated 2025-10-09.

Conditions:
Brown-Vialetto-van Laere syndrome 2. Also called: SPINOCEREBELLAR ATAXIA WITH BLINDNESS AND DEAFNESS 2; Riboflavin transporter deficiency type 2. Identifiers: Orphanet 572543, Orphanet 97229, MedGen C3553538, MONDO:0013867, OMIM 614707.

Submissions (2):

Mayo Clinic Laboratories, Mayo Clinic
Classification: Likely pathogenic. Last evaluated: 2025-10-09. Review status: criteria provided, single submitter. Criteria: ACMG Guidelines, 2015. Collection method: clinical testing. Allele origin: germline. Observed: 1 variant allele.
Comment: PP4, PM2_supporting, PVS1_strong

Labcorp Genetics (formerly Invitae), Labcorp
Classification: Pathogenic for Brown-Vialetto-van Laere syndrome 2. Last evaluated: 2022-11-24. Review status: criteria provided, single submitter. Criteria: Invitae Variant Classification Sherloc (09022015). Collection method: clinical testing. Allele origin: germline.
Comment: This sequence change creates a premature translational stop signal (p.Leu344Alafs*100) in the SLC52A2 gene. While this is not anticipated to result in nonsense mediated decay, it is expected to disrupt the last 102 amino acid(s) of the SLC52A2 protein. The frequency data for this variant in the population databases is considered unreliable, as metrics indicate poor data quality at this position in the gnomAD database. This variant has not been reported in the literature in individuals affected with SLC52A2-related conditions. ClinVar contains an entry for this variant (Variation ID: 854483). This variant disrupts a region of the SLC52A2 protein in which other variant(s) (p.Ala420Thr) have been determined to be pathogenic (PMID: 24253200; Invitae). This suggests that this is a clinically significant region of the protein, and that variants that disrupt it are likely to be disease-causing. For these reasons, this variant has been classified as Pathogenic.

Literature cited by the submitters: PubMed 38278809 (cited by Mayo Clinic Laboratories, Mayo Clinic); PubMed 39113759 (cited by Mayo Clinic Laboratories, Mayo Clinic); PubMed 40134705 (cited by Mayo Clinic Laboratories, Mayo Clinic); PubMed 24253200 (cited by Labcorp Genetics (formerly Invitae), Labcorp).

NM_001363118.2(SLC52A2):c.1030_1031del (p.Leu344fs)

Gene: SLC52A2 (solute carrier family 52 member 2; plus strand). Cytogenetic location: 8q24.3.
Variant type: Microsatellite.
Coding change: c.1030_1031del on transcript NM_001363118.2 (MANE Select); coding-DNA positions 1030 to 1031, 2 bases deleted (CT; older notation c.1030_1031delCT).
Protein change: p.Leu344fs; shifts the reading frame from leucine 344.
Molecular consequence: frameshift variant. On other transcripts: non-coding transcript variant (1).
Genome position (GRCh38, 1-based): chr8:144,360,618-144,360,619, CT deleted; deleting any 2 consecutive bases within chr8:144,360,612-144,360,619 gives the same sequence; the c. name uses the placement nearest the transcript's 3' end. VCF-style (leftmost placement, unchanged base first): chr8-144360611-CCT-C. GRCh37 (hg19) VCF-style: chr8-145584271-CCT-C.
Other names: p.Leu344Alafs*100; c.1030_1031del, p.Leu344fs (NM_001253815.2, NM_001253816.2, NM_001363120.2 and 2 more transcripts); c.538_539del, p.Leu180fs (NM_001363122.2); short protein forms L180fs, L344fs.
Identifiers: ClinVar variation 854483 (VCV000854483.8), dbSNP rs1328651461, ClinGen allele CA586162175.